The following is an entry in ClinVar:

ClinVar aggregate classification (germline): Uncertain significance (1 of 4 stars; one submission).

gnomAD v4.1: 2 of 1,614,096 alleles (0.00012%); highest among the groups gnomAD compares: Non-Finnish European, 0.00017%; no homozygotes.

Submission:

Labcorp Genetics (formerly Invitae), Labcorp
Classification: Uncertain significance. Last evaluated: 2022-06-15. Review status: criteria provided, single submitter. Criteria: Invitae Variant Classification Sherloc (09022015). Collection method: clinical testing. Allele origin: germline.
Comment: This sequence change replaces valine, which is neutral and non-polar, with leucine, which is neutral and non-polar, at codon 4653 of the USH2A protein (p.Val4653Leu). This variant is not present in population databases (gnomAD no frequency). This variant has not been reported in the literature in individuals affected with USH2A-related conditions. Algorithms developed to predict the effect of missense changes on protein structure and function (SIFT, PolyPhen-2, Align-GVGD) all suggest that this variant is likely to be tolerated. In summary, the available evidence is currently insufficient to determine the role of this variant in disease. Therefore, it has been classified as a Variant of Uncertain Significance.

NM_206933.4(USH2A):c.13957G>C (p.Val4653Leu)

Gene: USH2A (usherin; minus strand). Cytogenetic location: 1q41.
Variant type: single nucleotide variant.
Coding change: c.13957G>C on transcript NM_206933.4 (MANE Select); coding-DNA position 13957, G replaced by C.
Protein change: p.Val4653Leu; replaces valine 4653 with leucine.
Molecular consequence: missense variant.
Genome position (GRCh38, 1-based): chr1:215,671,148, C>G on the plus strand (G>C on the coding strand, the complement: USH2A is on the minus strand). VCF-style: chr1-215671148-C-G. GRCh37 (hg19) VCF-style: chr1-215844490-C-G.
Other names: short protein forms V4653L.
Identifiers: ClinVar variation 1966686 (VCV001966686.2), dbSNP rs1266399399, ClinGen allele CA344841036.